The following is an entry in ClinVar:

NM_006846.4(SPINK5):c.1480-2A>G

Gene: SPINK5 (serine peptidase inhibitor Kazal type 5; plus strand). Cytogenetic location: 5q32.
Variant type: single nucleotide variant.
Coding change: c.1480-2A>G on transcript NM_006846.4 (MANE Select); the canonical splice acceptor site of the intron before coding-DNA position 1480, A replaced by G.
Molecular consequence: splice acceptor variant.
Genome position (GRCh38, 1-based): chr5:148,107,035, A>G. VCF-style: chr5-148107035-A-G. GRCh37 (hg19) VCF-style: chr5-147486598-A-G.
Other names: c.1480-2A>G (NM_001127698.2, NM_001127699.2).
Identifiers: ClinVar variation 1496197 (VCV001496197.8), dbSNP rs773865874, ClinGen allele CA3495638.

ClinVar aggregate classification (germline): Likely pathogenic (1 of 4 stars; one submission).

Conditions:
Ichthyosis linearis circumflexa. Identifiers: MedGen C0265962, MONDO:0043106, HP:0025810.

Allele frequency attached by ClinVar (database versions not stated): gnomAD exomes below 0.00001; ExAC 0.00001.
gnomAD v4.1: 1 of 1,612,204 alleles (0.000062%); highest among the groups gnomAD compares: Non-Finnish European, 0.000085%; no homozygotes.

Submission:

Labcorp Genetics (formerly Invitae), Labcorp
Classification: Likely pathogenic for Ichthyosis linearis circumflexa. Last evaluated: 2021-02-15. Review status: criteria provided, single submitter. Criteria: Invitae Variant Classification Sherloc (09022015). Collection method: clinical testing. Allele origin: germline.
Comment: In summary, the currently available evidence indicates that the variant is pathogenic, but additional data are needed to prove that conclusively. Therefore, this variant has been classified as Likely Pathogenic. Algorithms developed to predict the effect of sequence changes on RNA splicing suggest that this variant may disrupt the consensus splice site, but this prediction has not been confirmed by published transcriptional studies. This variant has not been reported in the literature in individuals with SPINK5-related conditions. This variant is present in population databases (rs773865874, ExAC 0.001%). This sequence change affects an acceptor splice site in intron 16 of the SPINK5 gene. It is expected to disrupt RNA splicing. Variants that disrupt the donor or acceptor splice site typically lead to a loss of protein function (PMID: 16199547), and loss-of-function variants in SPINK5 are known to be pathogenic (PMID: 11511292, 11841556).

Literature cited by the submitters: PubMed 16199547; PubMed 11511292; PubMed 11841556.